The following is an entry in ClinVar:

NM_018206.6(VPS35):c.1151A>G (p.Asn384Ser)

Gene: VPS35 (VPS35 retromer complex component; minus strand). Cytogenetic location: 16q11.2.
Variant type: single nucleotide variant.
Coding change: c.1151A>G on transcript NM_018206.6 (MANE Select); coding-DNA position 1151, A replaced by G.
Protein change: p.Asn384Ser; replaces asparagine 384 with serine.
Molecular consequence: missense variant.
Genome position (GRCh38, 1-based): chr16:46,674,323, T>C on the plus strand (A>G on the coding strand, the complement: VPS35 is on the minus strand). VCF-style: chr16-46674323-T-C. GRCh37 (hg19) VCF-style: chr16-46708235-T-C.
Other names: short protein forms N384S.
Identifiers: ClinVar variation 855930 (VCV000855930.10), dbSNP rs762573165, ClinGen allele CA8036880.
Genomic context (GRCh38, chr16:46,674,323, plus strand): 5'-TCTAGGACAAAAATATCTTTGAGGATTTTTACAAAAATGTAACTGACTTACTGTTCAAGG[T>C]TGAGCTTATTGAATATCTCCACTGTTGTTTCTAGAACTTTATCAACATAGTCCACACGAT-3'
Protein context (NP_060676.2, residues 374-394): ETTVEIFNKL[Asn384Ser]LEHIATSSAV

ClinVar aggregate classification (germline): Uncertain significance. Review status: criteria provided, multiple submitters, no conflicts (2 of 4 stars). 2 submissions from 2 submitters: Uncertain significance (2). Last evaluated 2022-08-20.

Conditions:
Parkinson disease 17 (PARK17). Also called: VPS35-Related Parkinson Disease. Identifiers: Orphanet 411602, MedGen C3280133, MONDO:0013625, OMIM 614203.

Allele frequency attached by ClinVar (database versions not stated): ExAC 0.00001; gnomAD exomes 0.00001; TOPMed 0.00005; gnomAD 0.00006 and 0.00007.
gnomAD v4.1: 27 of 1,613,978 alleles (0.0017%); highest among the groups gnomAD compares: African/African-American, 0.016%; no homozygotes.

Submissions (2):

Labcorp Genetics (formerly Invitae), Labcorp
Classification: Uncertain significance for Parkinson disease 17. Last evaluated: 2022-08-20. Review status: criteria provided, single submitter. Criteria: Invitae Variant Classification Sherloc (09022015). Collection method: clinical testing. Allele origin: germline.
Comment: In summary, the available evidence is currently insufficient to determine the role of this variant in disease. Therefore, it has been classified as a Variant of Uncertain Significance. Algorithms developed to predict the effect of missense changes on protein structure and function (SIFT, PolyPhen-2, Align-GVGD) all suggest that this variant is likely to be tolerated. ClinVar contains an entry for this variant (Variation ID: 855930). This variant has not been reported in the literature in individuals affected with VPS35-related conditions. This variant is present in population databases (rs762573165, gnomAD 0.007%). This sequence change replaces asparagine, which is neutral and polar, with serine, which is neutral and polar, at codon 384 of the VPS35 protein (p.Asn384Ser).

Department of Pathology and Laboratory Medicine, Sinai Health System
Classification: Uncertain significance for Parkinson disease 17. Last evaluated: 2022-06-06. Review status: criteria provided, single submitter. Criteria: ACMG Guidelines, 2015. Collection method: research. Allele origin: germline.